The following is an entry in ClinVar:

ClinVar aggregate classification (germline): Likely pathogenic (1 of 4 stars; one submission).

Conditions:
Pontocerebellar hypoplasia type 1A (PCH1A). Also called: PONTOCEREBELLAR HYPOPLASIA WITH ANTERIOR HORN CELL DISEASE; PONTOCEREBELLAR HYPOPLASIA WITH INFANTILE SPINAL MUSCULAR ATROPHY. Identifiers: Orphanet 2254, Orphanet 88616, MedGen C1843504, MONDO:0011866, OMIM 607596.

Submission:

Labcorp Genetics (formerly Invitae), Labcorp
Classification: Likely pathogenic for Pontocerebellar hypoplasia type 1A. Last evaluated: 2022-04-14. Review status: criteria provided, single submitter. Criteria: Invitae Variant Classification Sherloc (09022015). Collection method: clinical testing. Allele origin: unknown.
Comment: This variant results in the deletion of exons 7-10 and part of exon 6 (c.397_890-900del) of the VRK1 gene. It is expected to disrupt RNA splicing. Variants that disrupt the donor or acceptor splice site typically lead to a loss of protein function (PMID: 16199547), and loss-of-function variants in VRK1 are known to be pathogenic (PMID: 19646678, 24126608, 27281532). This variant has not been reported in the literature in individuals affected with VRK1-related conditions. ClinVar contains an entry for this variant (Variation ID: 842535). In summary, the currently available evidence indicates that the variant is pathogenic, but additional data are needed to prove that conclusively. Therefore, this variant has been classified as Likely Pathogenic.

Literature cited by the submitters: PubMed 16199547; PubMed 19646678; PubMed 24126608; PubMed 27281532.

NC_000014.8:g.(?_97319190)_(97325994_?)del

Gene: VRK1 (VRK serine/threonine kinase 1; plus strand). Cytogenetic location: 14q32.2.
Variant type: Deletion.
Identifiers: ClinVar variation 3243977 (VCV003243977.1).